The following is an entry in ClinVar:

NM_001039660.2(IL18BP):c.360-2A>G

Gene: IL18BP (interleukin 18 binding protein; plus strand). Cytogenetic location: 11q13.4.
Variant type: single nucleotide variant.
Coding change: c.360-2A>G on transcript NM_001039660.2 (MANE Select); the canonical splice acceptor site of the intron before coding-DNA position 360, A replaced by G.
Molecular consequence: splice acceptor variant. On other transcripts: intron variant (1).
Genome position (GRCh38, 1-based): chr11:72,001,403, A>G. VCF-style: chr11-72001403-A-G. GRCh37 (hg19) VCF-style: chr11-71712449-A-G.
Other names: c.360-2A>G (NM_001039659.2, NM_173044.3, NM_005699.3 and 2 more transcripts); c.236-381A>G (NM_001145055.1).
Identifiers: ClinVar variation 3679457 (VCV003679457.2).

ClinVar aggregate classification (germline): Uncertain significance (1 of 4 stars; one submission).

Submission:

Labcorp Genetics (formerly Invitae), Labcorp
Classification: Uncertain significance. Last evaluated: 2024-10-09. Review status: criteria provided, single submitter. Criteria: Invitae Variant Classification Sherloc (09022015). Collection method: clinical testing. Allele origin: germline.
Comment: This sequence change affects an acceptor splice site in intron 3 of the IL18BP gene. It is expected to disrupt RNA splicing. Variants that disrupt the donor or acceptor splice site typically lead to a loss of protein function (PMID: 16199547), however the current clinical and genetic evidence is not sufficient to establish whether loss-of-function variants in IL18BP cause disease. This variant is not present in population databases (gnomAD no frequency). This variant has not been reported in the literature in individuals affected with IL18BP-related conditions. Algorithms developed to predict the effect of sequence changes on RNA splicing suggest that this variant may disrupt the consensus splice site. In summary, the available evidence is currently insufficient to determine the role of this variant in disease. Therefore, it has been classified as a Variant of Uncertain Significance.

Literature cited by the submitters: PubMed 16199547.